The following is an entry in ClinVar:

NM_000550.3(TYRP1):c.88T>C (p.Cys30Arg)

Gene: TYRP1 (tyrosinase related protein 1; plus strand). Cytogenetic location: 9p23.
Variant type: single nucleotide variant.
Coding change: c.88T>C on transcript NM_000550.3 (MANE Select); coding-DNA position 88, T replaced by C.
Protein change: p.Cys30Arg; replaces cysteine 30 with arginine.
Molecular consequence: missense variant.
Genome position (GRCh38, 1-based): chr9:12,694,084, T>C. VCF-style: chr9-12694084-T-C. GRCh37 (hg19) VCF-style: chr9-12694084-T-C.
Other names: short protein forms C30R.
Identifiers: ClinVar variation 3336274 (VCV003336274.2).

ClinVar aggregate classification (germline): Likely pathogenic. Review status: criteria provided, multiple submitters, no conflicts (2 of 4 stars). 2 submissions from 2 submitters: Likely pathogenic (2). Last evaluated 2024-05-06.

Conditions:
Oculocutaneous albinism type 3 (OCA3). Also called: ALBINISM III; Rufous OCA; Rufous albinism; RUFOUS OCULOCUTANEOUS ALBINISM; XANTHISM; Albinism, oculocutaneous, type III. Identifiers: Orphanet 79433, MedGen C0342683, MONDO:0008747, OMIM 203290.
MELANESIAN BLOND HAIR (SHEP11). Also called: Skin/hair/eye pigmentation, variation in, 11; SKIN/HAIR/EYE PIGMENTATION 11, BLUE/NONBLUE EYES. Identifiers: MedGen C2677086, OMIM 612271.

gnomAD v4.1: 2 of 1,614,052 alleles (0.00012%); highest among the groups gnomAD compares: East Asian, 0.0045%; no homozygotes.

Submissions (2):

Fulgent Genetics
Classification: Likely pathogenic for Oculocutaneous albinism type 3; MELANESIAN BLOND HAIR. Last evaluated: 2024-05-06. Review status: criteria provided, single submitter. Criteria: ACMG Guidelines, 2015. Collection method: clinical testing. Allele origin: germline.

Women's Health and Genetics/Laboratory Corporation of America, LabCorp
Classification: Likely pathogenic for Oculocutaneous albinism type 3. Last evaluated: 2024-05-01. Review status: criteria provided, single submitter. Criteria: LabCorp Variant Classification Summary - May 2015. Collection method: clinical testing. Allele origin: germline.
Comment: Variant summary: TYRP1 c.88T>C (p.Cys30Arg) results in a non-conservative amino acid change in the encoded protein sequence. Five of five in-silico tools predict a damaging effect of the variant on protein function. The variant was absent in 251048 control chromosomes. c.88T>C has been reported in the compound heterozygous state in individuals affected with Oculocutaneous albinism type 3 (Yamada_2011). At least one publication reports experimental evidence evaluating an impact on protein function. The most pronounced variant effect results in <10% of normal activity (Yamada_2011, Dolinksa_2023). The following publications have been ascertained in the context of this evaluation (PMID: 36412553, 21996312). No submitters have cited clinical-significance assessments for this variant to ClinVar. Based on the evidence outlined above, the variant was classified as likely pathogenic.

Literature cited by the submitters: PubMed 36412553 (cited by Women's Health and Genetics/Laboratory Corporation of America, LabCorp); PubMed 21996312 (cited by Women's Health and Genetics/Laboratory Corporation of America, LabCorp).